The following is an entry in ClinVar:

ClinVar aggregate classification (germline): Benign. Review status: criteria provided, multiple submitters, no conflicts (2 of 4 stars). 3 submissions from 3 submitters: Benign (2). 1 of the submissions does not count toward it. Last evaluated 2026-01-27.

Conditions:
SUCO-related disorder. Also called: SUCO-related condition.

Allele frequency attached by ClinVar (database versions not stated): ESP Exome Variant Server 0.00541; TOPMed 0.00682; gnomAD exomes 0.00158 and 0.00072; gnomAD 0.00616 and 0.00671; ExAC 0.00198; 1000 Genomes Project 0.00699; 1000 Genomes Project 30x 0.00718.
gnomAD v4.1: 2,035 of 1,610,932 alleles (0.13%); highest among the groups gnomAD compares: African/African-American, 2.3%; 25 homozygotes.

Submissions (3):

Labcorp Genetics (formerly Invitae), Labcorp
Classification: Benign. Last evaluated: 2026-01-27. Review status: criteria provided, single submitter. Criteria: Invitae Variant Classification Sherloc (09022015). Collection method: clinical testing. Allele origin: germline.

Breakthrough Genomics
Classification: Benign. Review status: criteria provided, single submitter. Criteria: ACMG Guidelines, 2015. Collection method: not provided. Allele origin: germline. Inheritance: Unknown mechanism. Affected: yes.

PreventionGenetics, part of Exact Sciences
Classification: Benign for SUCO-related condition. Last evaluated: 2019-12-09. Review status: no assertion criteria provided. Collection method: clinical testing. Allele origin: germline. Not counted in ClinVar's aggregate classification.
Comment: This variant is classified as benign based on ACMG/AMP sequence variant interpretation guidelines (Richards et al. 2015 PMID: 25741868, with internal and published modifications).

NM_014283.5(SUCO):c.2353A>G (p.Ser785Gly)

Gene: SUCO (SUN domain containing ossification factor; plus strand). Cytogenetic location: 1q24.3.
Variant type: single nucleotide variant.
Coding change: c.2353A>G on transcript NM_014283.5 (MANE Select); coding-DNA position 2353, A replaced by G.
Protein change: p.Ser785Gly; replaces serine 785 with glycine.
Molecular consequence: missense variant. On other transcripts: intron variant (1).
Genome position (GRCh38, 1-based): chr1:172,589,454, A>G. VCF-style: chr1-172589454-A-G. GRCh37 (hg19) VCF-style: chr1-172558594-A-G.
Other names: c.664A>G, p.Ser222Gly (NM_001282751.2); c.2806A>G, p.Ser936Gly (NM_016227.4); c.1712+530A>G (NM_001282750.2); c.2806A>G (NM_016227.3); short protein forms S222G, S785G, S936G.
Identifiers: ClinVar variation 1601616 (VCV001601616.11), dbSNP rs78411230, ClinGen allele CA1247070.